The following is an entry in ClinVar:

ClinVar aggregate classification (germline): Uncertain significance (1 of 4 stars; one submission).

Submission:

Labcorp Genetics (formerly Invitae), Labcorp
Classification: Uncertain significance. Last evaluated: 2022-11-28. Review status: criteria provided, single submitter. Criteria: Invitae Variant Classification Sherloc (09022015). Collection method: clinical testing. Allele origin: germline.
Comment: This sequence change replaces valine, which is neutral and non-polar, with aspartic acid, which is acidic and polar, at codon 501 of the WFS1 protein (p.Val501Asp). This variant is not present in population databases (gnomAD no frequency). This missense change has been observed in individual(s) with clinical features of autosomal recessive Wolfram syndrome (Invitae). In at least one individual the data is consistent with being in trans (on the opposite chromosome) from a pathogenic variant. Advanced modeling of protein sequence and biophysical properties (such as structural, functional, and spatial information, amino acid conservation, physicochemical variation, residue mobility, and thermodynamic stability) performed at Invitae indicates that this missense variant is not expected to disrupt WFS1 protein function. In summary, the available evidence is currently insufficient to determine the role of this variant in disease. Therefore, it has been classified as a Variant of Uncertain Significance.

NM_006005.3(WFS1):c.1502T>A (p.Val501Asp)

Gene: WFS1 (wolframin ER transmembrane glycoprotein; plus strand). Cytogenetic location: 4p16.1.
Variant type: single nucleotide variant.
Coding change: c.1502T>A on transcript NM_006005.3 (MANE Select); coding-DNA position 1502, T replaced by A.
Protein change: p.Val501Asp; replaces valine 501 with aspartic acid.
Molecular consequence: missense variant.
Genome position (GRCh38, 1-based): chr4:6,301,297, T>A. VCF-style: chr4-6301297-T-A. GRCh37 (hg19) VCF-style: chr4-6303024-T-A.
Other names: c.1502T>A, p.Val501Asp (NM_001145853.1); short protein forms V501D.
Identifiers: ClinVar variation 2814522 (VCV002814522.3), dbSNP rs2474194056, ClinGen allele CA356175210.